The following is an entry in ClinVar:

NM_152424.4(AMER1):c.760G>A (p.Ala254Thr)

Gene: AMER1 (APC membrane recruitment protein 1; minus strand). Cytogenetic location: Xq11.2.
Variant type: single nucleotide variant.
Coding change: c.760G>A on transcript NM_152424.4 (MANE Select); coding-DNA position 760, G replaced by A.
Protein change: p.Ala254Thr; replaces alanine 254 with threonine.
Molecular consequence: missense variant.
Genome position (GRCh38, 1-based): chrX:64,192,527, C>T on the plus strand (G>A on the coding strand, the complement: AMER1 is on the minus strand). VCF-style: chrX-64192527-C-T. GRCh37 (hg19) VCF-style: chrX-63412407-C-T.
Other names: c.760G>A (NM_152424.3); short protein forms A254T.
Identifiers: ClinVar variation 2660743 (VCV002660743.25), dbSNP rs925572949, ClinGen allele CA329957584.

ClinVar aggregate classification (germline): Uncertain significance. Review status: criteria provided, multiple submitters, no conflicts (2 of 4 stars). 2 submissions from 2 submitters: Uncertain significance (2). Last evaluated 2026-05-27.

Conditions:
AMER1-related disorder. Also called: AMER1-related condition.

Allele frequency attached by ClinVar (database versions not stated): gnomAD exomes below 0.00001.
gnomAD v4.1: 4 of 1,206,400 alleles (0.00033%); highest among the groups gnomAD compares: Non-Finnish European, 0.00034%; no homozygotes.

Submissions (2):

PreventionGenetics, part of Exact Sciences
Classification: Uncertain significance for AMER1-related condition. Last evaluated: 2026-05-27. Review status: criteria provided, single submitter. Criteria: ACMG Guidelines, 2015. Collection method: clinical testing. Allele origin: germline.
Comment: The AMER1 c.760G>A variant is predicted to result in the amino acid substitution p.Ala254Thr. To our knowledge, this variant has not been reported in the literature or in a large population database (gnomAD), indicating this variant is rare. At this time, the clinical significance of this variant is uncertain due to the absence of conclusive functional and genetic evidence.

CeGaT Center for Human Genetics Tuebingen
Classification: Uncertain significance. Last evaluated: 2023-08-01. Review status: criteria provided, single submitter. Criteria: CeGaT Center For Human Genetics Tuebingen Variant Classification Criteria Version 2. Collection method: clinical testing. Allele origin: germline. Affected: yes. Observed: 1 variant allele.
Comment: AMER1: PM2, BP4